The following is an entry in ClinVar:

ClinVar aggregate classification (germline): Pathogenic (1 of 4 stars; one submission).

Conditions:
Neuronal ceroid lipofuscinosis 7 (CLN7). Also called: MFSD8-Related Neuronal Ceroid-Lipofuscinosis. Identifiers: Orphanet 168491, Orphanet 228366, MedGen C1838571, MONDO:0012588, OMIM 610951.

Submission:

Labcorp Genetics (formerly Invitae), Labcorp
Classification: Pathogenic for Neuronal ceroid lipofuscinosis 7. Last evaluated: 2022-06-13. Review status: criteria provided, single submitter. Criteria: Invitae Variant Classification Sherloc (09022015). Collection method: clinical testing. Allele origin: germline.
Comment: For these reasons, this variant has been classified as Pathogenic. ClinVar contains an entry for this variant (Variation ID: 1075481). This variant has not been reported in the literature in individuals affected with MFSD8-related conditions. This variant is not present in population databases (gnomAD no frequency). This sequence change creates a premature translational stop signal (p.Met46Valfs*22) in the MFSD8 gene. It is expected to result in an absent or disrupted protein product. Loss-of-function variants in MFSD8 are known to be pathogenic (PMID: 19177532, 25227500, 28586915).

Literature cited by the submitters: PubMed 19177532; PubMed 25227500; PubMed 28586915.

NM_001371596.2(MFSD8):c.136_137del (p.Met46fs)

Gene: MFSD8 (major facilitator superfamily domain containing 8; minus strand). Cytogenetic location: 4q28.2.
Variant type: Deletion.
Coding change: c.136_137del on transcript NM_001371596.2 (MANE Select); coding-DNA positions 136 to 137, 2 bases deleted (AT; older notation c.136_137delAT).
Protein change: p.Met46fs; shifts the reading frame from methionine 46.
Molecular consequence: frameshift variant. On other transcripts: initiator codon variant (1).
Genome position (GRCh38, 1-based): chr4:127,957,518-127,957,519, AT deleted on the plus strand (AT on the coding strand, the reverse complement: MFSD8 is on the minus strand); deleting any 2 consecutive bases within chr4:127,957,518-127,957,520 gives the same sequence; the c. name uses the placement nearest the transcript's 3' end. VCF-style (leftmost placement, unchanged base first): chr4-127957517-CAT-C. GRCh37 (hg19) VCF-style: chr4-128878672-CAT-C.
Other names: c.135_136delTA, p.Met46Valfs (NM_001363520.3, NM_001363521.3, NM_001371591.2 and 4 more transcripts); c.-1_1delTA, p.Met(?_1)_Met1(?) (NM_001371590.2, NM_001410765.1); c.1_2del, p.Met1fs (NM_001371595.1); c.136_137del, p.Met46fs (NM_152778.4); short protein forms M1fs, M46fs.
Identifiers: ClinVar variation 1075481 (VCV001075481.9), dbSNP rs2148972564, ClinGen allele CA2499217094.
Genomic context (GRCh38, chr4:127,957,517, plus strand): 5'-ACATCTGATCTGAATTGTTAAAATTATGTATTTCTAATACTTACCTACACTGCTGAGAAA[CAT>C]AGTAAGATATAAAATCCTAATAGATCTCCATCGGCTCTTATAATGCTCTTCAGTCTCTAA-3'